The following is an entry in ClinVar:

NM_001166108.2(PALLD):c.2683C>A (p.Pro895Thr)

Genes: CBR4 (carbonyl reductase 4; minus strand), PALLD (palladin, cytoskeletal associated protein; plus strand). Cytogenetic location: 4q32.3.
Variant type: single nucleotide variant.
Coding change: c.2683C>A on transcript NM_001166108.2 (MANE Select); coding-DNA position 2683, C replaced by A.
Protein change: p.Pro895Thr; replaces proline 895 with threonine.
Molecular consequence: missense variant.
Genome position (GRCh38, 1-based): chr4:168,913,987, C>A. VCF-style: chr4-168913987-C-A. GRCh37 (hg19) VCF-style: chr4-169835138-C-A.
Other names: c.1486C>A, p.Pro496Thr (NM_001166109.2); c.1171C>A, p.Pro391Thr (NM_001166110.2); c.511C>A, p.Pro171Thr (NM_001367567.1, NM_001367569.1); c.562C>A, p.Pro188Thr (NM_001367568.1, NM_001367570.1); c.2632C>A, p.Pro878Thr (NM_016081.4); short protein forms P171T, P188T, P391T, P496T, P878T, P895T.
Identifiers: ClinVar variation 3226782 (VCV003226782.1), dbSNP rs2534043612, ClinGen allele CA358705199.

ClinVar aggregate classification (germline): Uncertain significance (1 of 4 stars; one submission).

Submission:

Ambry Genetics
Classification: Uncertain significance. Last evaluated: 2023-11-02. Review status: criteria provided, single submitter. Criteria: Ambry Variant Classification Scheme 2023. Collection method: clinical testing. Allele origin: germline.
Comment: The p.P878T variant (also known as c.2632C>A), located in coding exon 14 of the PALLD gene, results from a C to A substitution at nucleotide position 2632. The proline at codon 878 is replaced by threonine, an amino acid with highly similar properties. This amino acid position is conserved. In addition, this alteration is predicted to be tolerated by in silico analysis. Since supporting evidence is limited at this time, the clinical significance of this alteration remains unclear.